The following is an entry in ClinVar:

NM_018433.6(KDM3A):c.189G>T (p.Val63=)

Gene: KDM3A (lysine demethylase 3A; plus strand). Cytogenetic location: 2p11.2.
Variant type: single nucleotide variant.
Coding change: c.189G>T on transcript NM_018433.6 (MANE Select); coding-DNA position 189, G replaced by T.
Protein change: p.Val63=; no amino-acid change (valine 63 retained).
Molecular consequence: synonymous variant.
Genome position (GRCh38, 1-based): chr2:86,449,809, G>T. VCF-style: chr2-86449809-G-T. GRCh37 (hg19) VCF-style: chr2-86676932-G-T.
Other names: c.189G>T, p.Val63= (NM_001146688.2); c.189G>T (NM_018433.5).
Identifiers: ClinVar variation 721338 (VCV000721338.6), dbSNP rs61750270, ClinGen allele CA1748965.

ClinVar aggregate classification (germline): Likely benign. Review status: criteria provided, multiple submitters, no conflicts (2 of 4 stars). 3 submissions from 3 submitters: Likely benign (2). 1 of the submissions does not count toward it. Last evaluated 2018-05-18.

Conditions:
KDM3A-related disorder. Also called: KDM3A-related condition.

Allele frequency attached by ClinVar (database versions not stated): 1000 Genomes Project 30x 0.00078; 1000 Genomes Project 0.00080; ExAC 0.00089; gnomAD exomes 0.00098 and 0.00207; gnomAD 0.00126 and 0.00127; TOPMed 0.00129; ESP Exome Variant Server 0.00200.
gnomAD v4.1: 3,192 of 1,610,992 alleles (0.2%); highest among the groups gnomAD compares: Non-Finnish European, 0.26%; 8 homozygotes.

Submissions (3):

Labcorp Genetics (formerly Invitae), Labcorp
Classification: Likely benign. Last evaluated: 2018-05-18. Review status: criteria provided, single submitter. Criteria: Invitae Variant Classification Sherloc (09022015). Collection method: clinical testing. Allele origin: germline.

Breakthrough Genomics
Classification: Likely benign. Review status: criteria provided, single submitter. Criteria: ACMG Guidelines, 2015. Collection method: not provided. Allele origin: germline. Inheritance: Unknown mechanism. Affected: yes.

PreventionGenetics, part of Exact Sciences
Classification: Likely benign for KDM3A-related condition. Last evaluated: 2019-11-27. Review status: no assertion criteria provided. Collection method: clinical testing. Allele origin: germline. Not counted in ClinVar's aggregate classification.
Comment: This variant is classified as likely benign based on ACMG/AMP sequence variant interpretation guidelines (Richards et al. 2015 PMID: 25741868, with internal and published modifications).